The following is an entry in ClinVar:

ClinVar aggregate classification (germline): Uncertain significance (1 of 4 stars; one submission).

Submission:

Labcorp Genetics (formerly Invitae), Labcorp
Classification: Uncertain significance. Last evaluated: 2025-10-27. Review status: criteria provided, single submitter. Criteria: Invitae Variant Classification Sherloc (09022015). Collection method: clinical testing. Allele origin: germline.
Comment: This sequence change replaces glycine, which is neutral and non-polar, with valine, which is neutral and non-polar, at codon 4993 of the PCLO protein (p.Gly4993Val). This variant is not present in population databases (gnomAD no frequency). This variant has not been reported in the literature in individuals affected with PCLO-related conditions. ClinVar contains an entry for this variant (Variation ID: 2128205). Experimental studies and prediction algorithms are not available or were not evaluated, and the functional significance of this variant is currently unknown. In summary, the available evidence is currently insufficient to determine the role of this variant in disease. Therefore, it has been classified as a Variant of Uncertain Significance.

NM_033026.6(PCLO):c.14978G>T (p.Gly4993Val)

Gene: PCLO (piccolo presynaptic cytomatrix protein; minus strand). Cytogenetic location: 7q21.11.
Variant type: single nucleotide variant.
Coding change: c.14978G>T on transcript NM_033026.6 (MANE Select); coding-DNA position 14978, G replaced by T.
Protein change: p.Gly4993Val; replaces glycine 4993 with valine.
Molecular consequence: missense variant.
Genome position (GRCh38, 1-based): chr7:82,801,547, C>A on the plus strand (G>T on the coding strand, the complement: PCLO is on the minus strand). VCF-style: chr7-82801547-C-A. GRCh37 (hg19) VCF-style: chr7-82430863-C-A.
Other names: short protein forms G4993V.
Identifiers: ClinVar variation 2128205 (VCV002128205.4), dbSNP rs2535200035, ClinGen allele CA368018287.